The following is an entry in ClinVar:

NM_000531.6(OTC):c.292G>A (p.Glu98Lys)

Gene: OTC (ornithine transcarbamylase; plus strand). Cytogenetic location: Xp11.4.
Variant type: single nucleotide variant.
Coding change: c.292G>A on transcript NM_000531.6 (MANE Select); coding-DNA position 292, G replaced by A.
Protein change: p.Glu98Lys; replaces glutamic acid 98 with lysine.
Molecular consequence: missense variant.
Genome position (GRCh38, 1-based): chrX:38,369,871, G>A. VCF-style: chrX-38369871-G-A. GRCh37 (hg19) VCF-style: chrX-38229124-G-A.
Other names: short protein forms E98K.
Identifiers: ClinVar variation 97158 (VCV000097158.9), dbSNP rs72554347, ClinGen allele CA224541.
Genomic context (GRCh38, chrX:38,369,871, plus strand): 5'-CAAGGGAAGTCCTTAGGCATGATTTTTGAGAAAAGAAGTACTCGAACAAGATTGTCTACA[G>A]AAACAGGTAAGTCCACTGCCAAATTCACACTTGTGTTGAAGAGAGGGATTGAAGGTGAAG-3'
Protein context (NP_000522.3, residues 88-108): KRSTRTRLST[Glu98Lys]TGFALLGGHP

ClinVar aggregate classification (germline): Conflicting classifications of pathogenicity. Review status: criteria provided, conflicting classifications (1 of 4 stars). 3 submissions from 3 submitters: Pathogenic (1); Uncertain significance (1). 1 of the submissions does not count toward it. Last evaluated 2025-05-12.

Conditions:
Ornithine carbamoyltransferase deficiency (OTCD). Also called: ORNITHINE TRANSCARBAMYLASE DEFICIENCY, HYPERAMMONEMIA DUE TO; ORNITHINE TRANSCARBAMYLASE DEFICIENCY; OTC DEFICIENCY; Ornithine Carbamoyltransferase Deficiency Disease. Identifiers: Orphanet 664, MedGen C0268542, MONDO:0010703, OMIM 311250.

Submissions (3):

GeneDx
Classification: Pathogenic. Last evaluated: 2025-05-12. Review status: criteria provided, single submitter. Criteria: GeneDx Variant Classification Process June 2021. Collection method: clinical testing. Allele origin: germline. Affected: yes.
Comment: Published functional studies demonstrate a damaging effect on ornithine transcarbamylase expression and function (PMID: 36217298); Not observed at significant frequency in large population cohorts (gnomAD); In silico analysis supports that this missense variant has a deleterious effect on protein structure/function; This variant is associated with the following publications: (PMID: 21802329, 28324312, 37146589, 12083811, 36217298)

Labcorp Genetics (formerly Invitae), Labcorp
Classification: Uncertain significance for Ornithine carbamoyltransferase deficiency. Last evaluated: 2017-08-21. Review status: criteria provided, single submitter. Criteria: Invitae Variant Classification Sherloc (09022015). Collection method: clinical testing. Allele origin: germline.
Comment: In summary, the available evidence is currently insufficient to determine the role of this variant in disease. Therefore, it has been classified as a Variant of Uncertain Significance. Algorithms developed to predict the effect of missense changes on protein structure and function do not agree on the potential impact of this missense change (SIFT: "Deleterious"; PolyPhen-2: "Probably Damaging"; Align-GVGD: "Class C0"). This variant has been reported in an individual affected with OTC (PMID: 12083811). ClinVar contains an entry for this variant (Variation ID: 97158). This variant is not present in population databases (ExAC no frequency). This sequence change replaces glutamic acid with lysine at codon 98 of the OTC protein (p.Glu98Lys). The glutamic acid residue is highly conserved and there is a small physicochemical difference between glutamic acid and lysine.

GenMed Metabolism Lab
Classification: Pathogenic. Review status: no assertion criteria provided. Collection method: not provided. Allele origin: unknown. Not counted in ClinVar's aggregate classification.
ClinVar note: Converted during submission from pathogenic to Pathogenic.

Literature cited by the submitters: PubMed 12083811 (cited by Labcorp Genetics (formerly Invitae), Labcorp).